The following is an entry in ClinVar:

ClinVar aggregate classification (germline): Likely benign (1 of 4 stars; one submission).

Submission:

GeneDx
Classification: Likely benign. Last evaluated: 2013-03-20. Review status: criteria provided, single submitter. Criteria: GeneDx Variant Classification (06012015). Collection method: clinical testing. Allele origin: germline. Affected: yes.
Comment: This variant is considered likely benign or benign based on one or more of the following criteria: it is a conservative change, it occurs at a poorly conserved position in the protein, it is predicted to be benign by multiple in silico algorithms, and/or has population frequency not consistent with disease.

NM_006005.3(WFS1):c.1676C>G (p.Ala559Gly)

Gene: WFS1 (wolframin ER transmembrane glycoprotein; plus strand). Cytogenetic location: 4p16.1.
Variant type: single nucleotide variant.
Coding change: c.1676C>G on transcript NM_006005.3 (MANE Select); coding-DNA position 1676, C replaced by G.
Protein change: p.Ala559Gly; replaces alanine 559 with glycine.
Molecular consequence: missense variant.
Genome position (GRCh38, 1-based): chr4:6,301,471, C>G. VCF-style: chr4-6301471-C-G. GRCh37 (hg19) VCF-style: chr4-6303198-C-G.
Other names: c.1676C>G, p.Ala559Gly (NM_001145853.1); short protein forms A559G.
Identifiers: ClinVar variation 215360 (VCV000215360.1), dbSNP rs773343292, ClinGen allele CA322057.